The following is an entry in ClinVar:

NM_001126108.2(SLC12A3):c.1096-110_1119delinsCAT

Gene: SLC12A3 (solute carrier family 12 member 3; plus strand). Cytogenetic location: 16q13.
Variant type: Indel.
Coding change: c.1096-110_1119delinsCAT on transcript NM_001126108.2 (MANE Select); 110 bases into the intron before coding-DNA position 1096 through coding-DNA position 1119, the reference bases replaced by CAT.
Molecular consequence: splice acceptor variant.
Genome position (GRCh38, 1-based): chr16:56,877,967-56,878,100, 134 bases replaced. GRCh37 (hg19): chr16:56,911,879-56,912,012.
Other names: c.1096-110_1119delinsCAT (NM_000339.3); c.1093-110_1116delinsCAT (NM_001126107.2).
Identifiers: ClinVar variation 2011101 (VCV002011101.4), dbSNP rs2543499392, ClinGen allele CA2580091656.

ClinVar aggregate classification (germline): Likely pathogenic (1 of 4 stars; one submission).

Submission:

Labcorp Genetics (formerly Invitae), Labcorp
Classification: Likely pathogenic. Last evaluated: 2022-06-26. Review status: criteria provided, single submitter. Criteria: Invitae Variant Classification Sherloc (09022015). Collection method: clinical testing. Allele origin: germline.
Comment: This variant results in the deletion of part of exon 9 (c.1096-110_1119delinsCAT) of the SLC12A3 gene. It is expected to disrupt RNA splicing. Variants that disrupt the donor or acceptor splice site typically lead to a loss of protein function (PMID: 16199547), and loss-of-function variants in SLC12A3 are known to be pathogenic (PMID: 20848653, 22009145, 25841442). This variant is not present in population databases (gnomAD no frequency). This variant has not been reported in the literature in individuals affected with SLC12A3-related conditions. This variant disrupts a region of the SLC12A3 protein in which other variant(s) (p.Ala370Pro) have been observed in individuals with SLC12A3-related conditions (PMID: 26121437). This suggests that this is a clinically significant region of the protein, and that variants that disrupt it are likely to be disease-causing. In summary, the currently available evidence indicates that the variant is pathogenic, but additional data are needed to prove that conclusively. Therefore, this variant has been classified as Likely Pathogenic.

Literature cited by the submitters: PubMed 16199547; PubMed 20848653; PubMed 22009145; PubMed 25841442; PubMed 26121437.